The following is an entry in ClinVar:

ClinVar aggregate classification (germline): Uncertain significance (1 of 4 stars; one submission).

Conditions:
Hereditary cancer-predisposing syndrome. Also called: Neoplastic Syndromes, Hereditary; Tumor predisposition; Hereditary Cancer Syndrome; Hereditary neoplastic syndrome. Identifiers: Orphanet 140162, MedGen C0027672, MeSH D009386, MONDO:0015356.

Submission:

Ambry Genetics
Classification: Uncertain significance for Hereditary cancer-predisposing syndrome. Last evaluated: 2026-03-18. Review status: criteria provided, single submitter. Criteria: Ambry Variant Classification Scheme 2023. Collection method: clinical testing. Allele origin: germline.
Comment: The p.D22Y variant (also known as c.64G>T), located in coding exon 2 of the POLE gene, results from a G to T substitution at nucleotide position 64. The aspartic acid at codon 22 is replaced by tyrosine, an amino acid with highly dissimilar properties. This amino acid position is conserved. In addition, the in silico prediction for this alteration is inconclusive. Based on the available evidence, the clinical significance of this variant remains unclear.

NM_006231.4(POLE):c.64G>T (p.Asp22Tyr)

Gene: POLE (DNA polymerase epsilon, catalytic subunit; minus strand). Cytogenetic location: 12q24.33.
Variant type: single nucleotide variant.
Coding change: c.64G>T on transcript NM_006231.4 (MANE Select); coding-DNA position 64, G replaced by T.
Protein change: p.Asp22Tyr; replaces aspartic acid 22 with tyrosine.
Molecular consequence: missense variant.
Genome position (GRCh38, 1-based): chr12:132,681,278, C>A on the plus strand (G>T on the coding strand, the complement: POLE is on the minus strand). VCF-style: chr12-132681278-C-A. GRCh37 (hg19) VCF-style: chr12-133257864-C-A.
Other names: short protein forms D22Y.
Identifiers: ClinVar variation 4862244 (VCV004862244.1).